The following is an entry in ClinVar:

ClinVar aggregate classification (germline): Likely benign (1 of 4 stars; one submission).

gnomAD v4.1: 16 of 1,536,300 alleles (0.001%); highest among the groups gnomAD compares: East Asian, 0.039%; no homozygotes.

Submission:

CeGaT Center for Human Genetics Tuebingen
Classification: Likely benign. Last evaluated: 2024-08-01. Review status: criteria provided, single submitter. Criteria: CeGaT Center For Human Genetics Tuebingen Variant Classification Criteria Version 2. Collection method: clinical testing. Allele origin: germline. Affected: yes. Observed: 1 variant allele.
Comment: FANCC: BP4, BP7

NM_000136.3(FANCC):c.1329+255C>T

Genes: AOPEP (aminopeptidase O (putative); plus strand), FANCC (FA complementation group C; minus strand). Cytogenetic location: 9q22.32.
Variant type: single nucleotide variant.
Coding change: c.1329+255C>T on transcript NM_000136.3 (MANE Select); 255 bases into the intron after coding-DNA position 1329, C replaced by T.
Molecular consequence: intron variant. On other transcripts: synonymous variant (1).
Genome position (GRCh38, 1-based): chr9:95,111,208, G>A on the plus strand (C>T on the coding strand, the complement: FANCC is on the minus strand). VCF-style: chr9-95111208-G-A. GRCh37 (hg19) VCF-style: chr9-97873490-G-A.
Other names: c.1467C>T, p.Pro489= (NM_001243744.2); c.1329+255C>T (NM_001243743.2).
Identifiers: ClinVar variation 3342186 (VCV003342186.16).